The following is an entry in ClinVar:

ClinVar aggregate classification (germline): Uncertain significance (1 of 4 stars; one submission).

Submission:

GeneDx
Classification: Uncertain significance. Last evaluated: 2023-03-21. Review status: criteria provided, single submitter. Criteria: GeneDx Variant Classification Process June 2021. Collection method: clinical testing. Allele origin: germline. Affected: yes.
Comment: Not observed at significant frequency in large population cohorts (gnomAD); In-frame deletion of 1 amino acid in a non-repeat region; In silico analysis supports a deleterious effect on protein structure/function; Has not been previously published as pathogenic or benign to our knowledge

NM_000748.3(CHRNB2):c.1459ACC[3] (p.Thr490del)

Gene: CHRNB2 (cholinergic receptor nicotinic beta 2 subunit; plus strand). Cytogenetic location: 1q21.3.
Variant type: Microsatellite.
Coding change: c.1459ACC[3] on transcript NM_000748.3 (MANE Select); three copies in a row of the 3-base unit ACC starting at c.1459; the reference has four copies in a row; one copy, 3 bases deleted.
Protein change: p.Thr490del; deletes threonine 490.
Molecular consequence: inframe deletion.
Genome position (GRCh38, 1-based): chr1:154,575,891-154,575,893, ACC deleted; deleting any 3 consecutive bases within chr1:154,575,881-154,575,893 gives the same sequence; the position shown is the placement nearest the transcript's 3' end. VCF-style (leftmost placement, unchanged base first): chr1-154575880-ACAC-A. GRCh37 (hg19) VCF-style: chr1-154548356-ACAC-A.
Other names: short protein forms T490del.
Identifiers: ClinVar variation 2580580 (VCV002580580.1), dbSNP rs2526384667, ClinGen allele CA2573911451.
Genomic context (GRCh38, chr1:154,575,880, plus strand): 5'-TTGTCTTTGTCTGTGTCTTTGGCACCATCGGCATGTTCCTGCAGCCTCTCTTCCAGAACT[ACAC>A]CACCACCACCTTCCTCCACTCAGACCACTCAGCCCCCAGCTCCAAGTGAGGCCCTTCCTC-3'